The following is an entry in ClinVar:

ClinVar aggregate classification (germline): Likely benign. Review status: criteria provided, multiple submitters, no conflicts (2 of 4 stars). 2 submissions from 2 submitters: Likely benign (2). Last evaluated 2024-12-02.

Conditions:
MASP1-related disorder. Also called: MASP1-related condition.

gnomAD v4.1: 40 of 1,614,098 alleles (0.0025%); highest among the groups gnomAD compares: Non-Finnish European, 0.0031%; no homozygotes.

Submissions (2):

PreventionGenetics, part of Exact Sciences
Classification: Likely benign for MASP1-related condition. Last evaluated: 2024-12-02. Review status: criteria provided, single submitter. Criteria: ACMG Guidelines, 2015. Collection method: clinical testing. Allele origin: germline.
Comment: This variant is classified as likely benign based on ACMG/AMP sequence variant interpretation guidelines (Richards et al. 2015 PMID: 25741868, with internal and published modifications).

Blueprint Genetics
Classification: Likely benign. Last evaluated: 2019-11-28. Review status: criteria provided, single submitter. Criteria: ACMG Guidelines, 2015. Collection method: clinical testing. Allele origin: germline.

NM_001879.6(MASP1):c.1644A>T (p.Thr548=)

Gene: MASP1 (MBL associated serine protease 1; minus strand). Cytogenetic location: 3q27.3.
Variant type: single nucleotide variant.
Coding change: c.1644A>T on transcript NM_001879.6 (MANE Plus Clinical); coding-DNA position 1644, A replaced by T.
Protein change: p.Thr548=; no amino-acid change (threonine 548 retained).
Molecular consequence: synonymous variant.
Genome position (GRCh38, 1-based): chr3:187,225,421, T>A on the plus strand (A>T on the coding strand, the complement: MASP1 is on the minus strand). VCF-style: chr3-187225421-T-A. GRCh37 (hg19) VCF-style: chr3-186943209-T-A.
Identifiers: ClinVar variation 4965381 (VCV004965381.2).
Genomic context (GRCh38, chr3:187,225,421, plus strand): 5'-CACGAAGGCATTCAGCACTGGGCTCTCCAACAGCTCCACCAGAGCCACGTCATTCTCGAA[T>A]GTGTTGGGATCATACTGGGGGTGGAGAGTGGTGTGTTTGACGCCGAGATGCTGTTCATTT-3'
Protein context (NP_001870.3, residues 538-558): TTLHPQYDPN[Thr548=]FENDVALVEL